The following is an entry in ClinVar:

NM_005720.4(ARPC1B):c.982A>T (p.Ser328Cys)

Gene: ARPC1B (actin related protein 2/3 complex subunit 1B; plus strand). Cytogenetic location: 7q22.1.
Variant type: single nucleotide variant.
Coding change: c.982A>T on transcript NM_005720.4 (MANE Select); coding-DNA position 982, A replaced by T.
Protein change: p.Ser328Cys; replaces serine 328 with cysteine.
Molecular consequence: missense variant.
Genome position (GRCh38, 1-based): chr7:99,392,869, A>T. VCF-style: chr7-99392869-A-T. GRCh37 (hg19) VCF-style: chr7-98990492-A-T.
Other names: short protein forms S328C.
Identifiers: ClinVar variation 1045331 (VCV001045331.8), dbSNP rs1440536014, ClinGen allele CA368329494.

ClinVar aggregate classification (germline): Uncertain significance (1 of 4 stars; one submission).

Allele frequency attached by ClinVar (database versions not stated): TOPMed below 0.00001.
gnomAD v4.1: 1 of 1,544,634 alleles (0.000065%); highest among the groups gnomAD compares: Non-Finnish European, 0.000087%; no homozygotes.

Submission:

Labcorp Genetics (formerly Invitae), Labcorp
Classification: Uncertain significance. Last evaluated: 2022-06-27. Review status: criteria provided, single submitter. Criteria: Invitae Variant Classification Sherloc (09022015). Collection method: clinical testing. Allele origin: germline.
Comment: This variant has not been reported in the literature in individuals affected with ARPC1B-related conditions. This variant is not present in population databases (gnomAD no frequency). This sequence change replaces serine, which is neutral and polar, with cysteine, which is neutral and slightly polar, at codon 328 of the ARPC1B protein (p.Ser328Cys). ClinVar contains an entry for this variant (Variation ID: 1045331). In summary, the available evidence is currently insufficient to determine the role of this variant in disease. Therefore, it has been classified as a Variant of Uncertain Significance. Algorithms developed to predict the effect of missense changes on protein structure and function are either unavailable or do not agree on the potential impact of this missense change (SIFT: "Tolerated"; PolyPhen-2: "Probably Damaging"; Align-GVGD: "Class C0").